The following is an entry in ClinVar:

ClinVar aggregate classification (germline): Uncertain significance (1 of 4 stars; one submission).

Conditions:
Joubert syndrome. Also called: CEREBELLOPARENCHYMAL DISORDER IV; JOUBERT-BOLTSHAUSER SYNDROME; Familial aplasia of the vermis. Identifiers: Orphanet 475, MedGen C5979921, MONDO:0018772.
Meckel-Gruber syndrome. Also called: DYSENCEPHALIA SPLANCHNOCYSTICA; GRUBER SYNDROME; Dysencephalia splachnocystica. Identifiers: Orphanet 564, MedGen C0265215, MONDO:0018921.

Allele frequency attached by ClinVar (database versions not stated): gnomAD exomes below 0.00001.
gnomAD v4.1: 1 of 1,604,328 alleles (0.000062%); highest among the groups gnomAD compares: South Asian, 0.0011%; no homozygotes.

Submission:

Labcorp Genetics (formerly Invitae), Labcorp
Classification: Uncertain significance for Joubert syndrome; Meckel-Gruber syndrome. Last evaluated: 2022-03-13. Review status: criteria provided, single submitter. Criteria: Invitae Variant Classification Sherloc (09022015). Collection method: clinical testing. Allele origin: germline.
Comment: This sequence change replaces lysine, which is basic and polar, with arginine, which is basic and polar, at codon 783 of the TMEM67 protein (p.Lys783Arg). This variant is not present in population databases (gnomAD no frequency). This variant has not been reported in the literature in individuals affected with TMEM67-related conditions. Advanced modeling of protein sequence and biophysical properties (such as structural, functional, and spatial information, amino acid conservation, physicochemical variation, residue mobility, and thermodynamic stability) performed at Invitae indicates that this missense variant is not expected to disrupt TMEM67 protein function. Algorithms developed to predict the effect of sequence changes on RNA splicing suggest that this variant may create or strengthen a splice site. In summary, the available evidence is currently insufficient to determine the role of this variant in disease. Therefore, it has been classified as a Variant of Uncertain Significance.

NM_153704.6(TMEM67):c.2348A>G (p.Lys783Arg)

Gene: TMEM67 (transmembrane protein 67; plus strand). Cytogenetic location: 8q22.1.
Variant type: single nucleotide variant.
Coding change: c.2348A>G on transcript NM_153704.6 (MANE Select); coding-DNA position 2348, A replaced by G.
Protein change: p.Lys783Arg; replaces lysine 783 with arginine.
Molecular consequence: missense variant. On other transcripts: non-coding transcript variant (1).
Genome position (GRCh38, 1-based): chr8:93,804,787, A>G. VCF-style: chr8-93804787-A-G. GRCh37 (hg19) VCF-style: chr8-94817015-A-G.
Other names: c.2105A>G, p.Lys702Arg (NM_001142301.1); short protein forms K783R, K702R.
Identifiers: ClinVar variation 2155397 (VCV002155397.1), dbSNP rs1392615560, ClinGen allele CA371698006.
Genomic context (GRCh38, chr8:93,804,787, plus strand): 5'-GTTGCTATTTGCTTCTTTTTATTCTCTTTTTATAGATATCAGTGTTTCTGTTATCCCACA[A>G]ATGTTTTGGATATTACATTCATGGTAGATCAGTACATGGGCATGCAGATACTAATATGGA-3'
Protein context (NP_714915.3, residues 773-793): SNISVFLLSH[Lys783Arg]CFGYYIHGRS